The following is an entry in ClinVar:

ClinVar aggregate classification (germline): Uncertain significance. Review status: criteria provided, multiple submitters, no conflicts (2 of 4 stars). 2 submissions from 2 submitters: Uncertain significance (2). Last evaluated 2024-04-24.

Conditions:
Inborn genetic diseases. Identifiers: MedGen C0950123, MeSH D030342.

Allele frequency attached by ClinVar (database versions not stated): TOPMed 0.00001; 1000 Genomes Project 30x 0.00016; 1000 Genomes Project 0.00020; gnomAD 0.00001; ExAC 0.00002.
gnomAD v4.1: 4 of 1,612,812 alleles (0.00025%); highest among the groups gnomAD compares: Admixed American, 0.005%; no homozygotes.

Submissions (2):

Ambry Genetics
Classification: Uncertain significance for Inborn genetic diseases. Last evaluated: 2024-04-24. Review status: criteria provided, single submitter. Criteria: Ambry Variant Classification Scheme 2023. Collection method: clinical testing. Allele origin: germline.

Labcorp Genetics (formerly Invitae), Labcorp
Classification: Uncertain significance. Last evaluated: 2021-07-28. Review status: criteria provided, single submitter. Criteria: Invitae Variant Classification Sherloc (09022015). Collection method: clinical testing. Allele origin: germline.
Comment: This sequence change replaces threonine with serine at codon 87 of the MPDZ protein (p.Thr87Ser). The threonine residue is moderately conserved and there is a small physicochemical difference between threonine and serine. This variant is present in population databases (rs545133120, ExAC 0.02%). This variant has not been reported in the literature in individuals affected with MPDZ-related conditions. Algorithms developed to predict the effect of missense changes on protein structure and function (SIFT, PolyPhen-2, Align-GVGD) all suggest that this variant is likely to be tolerated. Algorithms developed to predict the effect of sequence changes on RNA splicing suggest that this variant may create or strengthen a splice site. In summary, the available evidence is currently insufficient to determine the role of this variant in disease. Therefore, it has been classified as a Variant of Uncertain Significance.

NM_001378778.1(MPDZ):c.260C>G (p.Thr87Ser)

Gene: MPDZ (multiple PDZ domain crumbs cell polarity complex component; minus strand). Cytogenetic location: 9p23.
Variant type: single nucleotide variant.
Coding change: c.260C>G on transcript NM_001378778.1 (MANE Select); coding-DNA position 260, C replaced by G.
Protein change: p.Thr87Ser; replaces threonine 87 with serine.
Molecular consequence: missense variant.
Genome position (GRCh38, 1-based): chr9:13,224,507, G>C on the plus strand (C>G on the coding strand, the complement: MPDZ is on the minus strand). VCF-style: chr9-13224507-G-C. GRCh37 (hg19) VCF-style: chr9-13224506-G-C.
Other names: c.260C>G, p.Thr87Ser (NM_001261406.2, NM_001261407.2, NM_001330637.2 and 14 more transcripts); c.260C>G (NM_003829.3); short protein forms T87S.
Identifiers: ClinVar variation 1478918 (VCV001478918.4), dbSNP rs545133120, ClinGen allele CA4988176.